The following is an entry in ClinVar:

ClinVar aggregate classification (germline): Uncertain significance. Review status: criteria provided, multiple submitters, no conflicts (2 of 4 stars). 2 submissions from 2 submitters: Uncertain significance (2). Last evaluated 2024-07-10.

Conditions:
Dyskeratosis congenita, autosomal dominant 6 (DKCA6). Identifiers: Orphanet 3322, MedGen C4225284, MONDO:0014690, OMIM 616553.
Inborn genetic diseases. Identifiers: MedGen C0950123, MeSH D030342.

Allele frequency attached by ClinVar (database versions not stated): gnomAD exomes below 0.00001; TOPMed 0.00001; gnomAD 0.00002.
gnomAD v4.1: 4 of 1,613,466 alleles (0.00025%); highest among the groups gnomAD compares: African/African-American, 0.0053%; no homozygotes.

Submissions (2):

Labcorp Genetics (formerly Invitae), Labcorp
Classification: Uncertain significance for Dyskeratosis congenita, autosomal dominant 6. Last evaluated: 2024-07-10. Review status: criteria provided, single submitter. Criteria: Invitae Variant Classification Sherloc (09022015). Collection method: clinical testing. Allele origin: germline.
Comment: This sequence change replaces proline, which is neutral and non-polar, with leucine, which is neutral and non-polar, at codon 403 of the ACD protein (p.Pro403Leu). This variant is present in population databases (no rsID available, gnomAD 0.01%). This variant has not been reported in the literature in individuals affected with ACD-related conditions. ClinVar contains an entry for this variant (Variation ID: 838260). Advanced modeling of protein sequence and biophysical properties (such as structural, functional, and spatial information, amino acid conservation, physicochemical variation, residue mobility, and thermodynamic stability) performed at Invitae indicates that this missense variant is expected to disrupt ACD protein function with a positive predictive value of 80%. In summary, the available evidence is currently insufficient to determine the role of this variant in disease. Therefore, it has been classified as a Variant of Uncertain Significance.

Ambry Genetics
Classification: Uncertain significance for Inborn genetic diseases. Last evaluated: 2024-02-23. Review status: criteria provided, single submitter. Criteria: Ambry Variant Classification Scheme 2023. Collection method: clinical testing. Allele origin: germline.
Comment: The p.P403L variant (also known as c.1208C>T), located in coding exon 10 of the ACD gene, results from a C to T substitution at nucleotide position 1208. The proline at codon 403 is replaced by leucine, an amino acid with similar properties. This amino acid position is conserved. In addition, this alteration is predicted to be tolerated by in silico analysis. Since supporting evidence is limited at this time, the clinical significance of this alteration remains unclear.

NM_001082486.2(ACD):c.950C>T (p.Pro317Leu)

Gene: ACD (ACD shelterin complex subunit and telomerase recruitment factor; minus strand). Cytogenetic location: 16q22.1.
Variant type: single nucleotide variant.
Coding change: c.950C>T on transcript NM_001082486.2 (MANE Select); coding-DNA position 950, C replaced by T.
Protein change: p.Pro317Leu; replaces proline 317 with leucine.
Molecular consequence: missense variant.
Genome position (GRCh38, 1-based): chr16:67,658,242, G>A on the plus strand (C>T on the coding strand, the complement: ACD is on the minus strand). VCF-style: chr16-67658242-G-A. GRCh37 (hg19) VCF-style: chr16-67692145-G-A.
Other names: c.941C>T, p.Pro314Leu (NM_022914.3); short protein forms P317L, P314L.
Identifiers: ClinVar variation 838260 (VCV000838260.11), dbSNP rs1006777863, ClinGen allele CA283217314.